The following is an entry in ClinVar:

NM_020919.4(ALS2):c.2647G>T (p.Gly883Cys)

Gene: ALS2 (alsin Rho guanine nucleotide exchange factor ALS2; minus strand). Cytogenetic location: 2q33.1.
Variant type: single nucleotide variant.
Coding change: c.2647G>T on transcript NM_020919.4 (MANE Select); coding-DNA position 2647, G replaced by T.
Protein change: p.Gly883Cys; replaces glycine 883 with cysteine.
Molecular consequence: missense variant.
Genome position (GRCh38, 1-based): chr2:201,729,117, C>A on the plus strand (G>T on the coding strand, the complement: ALS2 is on the minus strand). VCF-style: chr2-201729117-C-A. GRCh37 (hg19) VCF-style: chr2-202593840-C-A.
Other names: c.2647G>T, p.Gly883Cys (NM_001410975.1); short protein forms G883C.
Identifiers: ClinVar variation 2967173 (VCV002967173.2), dbSNP rs771756963, ClinGen allele CA2058122.

ClinVar aggregate classification (germline): Uncertain significance (1 of 4 stars; one submission).

Conditions:
Infantile-onset ascending hereditary spastic paralysis (IAHSP). Also called: Infantile-Onset Ascending Hereditary Spastic Paralysis (IAHSP); Autosomal Recessive Juvenile Amyotrophic Lateral Sclerosis. Identifiers: Orphanet 293168, MedGen C2931441, MONDO:0011797, OMIM 607225. Disease mechanism: loss of function.

Allele frequency attached by ClinVar (database versions not stated): ExAC 0.00001.

Submission:

Labcorp Genetics (formerly Invitae), Labcorp
Classification: Uncertain significance for Infantile-onset ascending hereditary spastic paralysis. Last evaluated: 2023-11-05. Review status: criteria provided, single submitter. Criteria: Invitae Variant Classification Sherloc (09022015). Collection method: clinical testing. Allele origin: germline.
Comment: This sequence change replaces glycine, which is neutral and non-polar, with cysteine, which is neutral and slightly polar, at codon 883 of the ALS2 protein (p.Gly883Cys). This variant is present in population databases (rs771756963, gnomAD 0.02%). This variant has not been reported in the literature in individuals affected with ALS2-related conditions. Advanced modeling of protein sequence and biophysical properties (such as structural, functional, and spatial information, amino acid conservation, physicochemical variation, residue mobility, and thermodynamic stability) performed at Invitae indicates that this missense variant is not expected to disrupt ALS2 protein function with a negative predictive value of 80%. Algorithms developed to predict the effect of sequence changes on RNA splicing suggest that this variant may create or strengthen a splice site. In summary, the available evidence is currently insufficient to determine the role of this variant in disease. Therefore, it has been classified as a Variant of Uncertain Significance.